The following is an entry in ClinVar:

ClinVar aggregate classification (germline): Uncertain significance (1 of 4 stars; one submission).

Submission:

Labcorp Genetics (formerly Invitae), Labcorp
Classification: Uncertain significance. Last evaluated: 2023-11-27. Review status: criteria provided, single submitter. Criteria: Invitae Variant Classification Sherloc (09022015). Collection method: clinical testing. Allele origin: germline.
Comment: This sequence change replaces isoleucine, which is neutral and non-polar, with valine, which is neutral and non-polar, at codon 472 of the SEC24D protein (p.Ile472Val). This variant is not present in population databases (gnomAD no frequency). This variant has not been reported in the literature in individuals affected with SEC24D-related conditions. ClinVar contains an entry for this variant (Variation ID: 2111082). An algorithm developed to predict the effect of missense changes on protein structure and function (PolyPhen-2) suggests that this variant is likely to be tolerated. In summary, the available evidence is currently insufficient to determine the role of this variant in disease. Therefore, it has been classified as a Variant of Uncertain Significance.

NM_014822.4(SEC24D):c.1414A>G (p.Ile472Val)

Gene: SEC24D (SEC24 homolog D, COPII component; minus strand). Cytogenetic location: 4q26.
Variant type: single nucleotide variant.
Coding change: c.1414A>G on transcript NM_014822.4 (MANE Select); coding-DNA position 1414, A replaced by G.
Protein change: p.Ile472Val; replaces isoleucine 472 with valine.
Molecular consequence: missense variant.
Genome position (GRCh38, 1-based): chr4:118,757,728, T>C on the plus strand (A>G on the coding strand, the complement: SEC24D is on the minus strand). VCF-style: chr4-118757728-T-C. GRCh37 (hg19) VCF-style: chr4-119678883-T-C.
Other names: c.1417A>G, p.Ile473Val (NM_001318066.2); short protein forms I472V, I473V.
Identifiers: ClinVar variation 2111082 (VCV002111082.4), dbSNP rs2110462973, ClinGen allele CA358011358.
Genomic context (GRCh38, chr4:118,757,728, plus strand): 5'-AAATTAATTAGGCAATAATGTATAAGTTGTAAAAAGAATGACGGTTGCCTTACTTTGGAA[T>C]TTTTTCCAGCATGGTCTTCAGTTCTTCACATATGAGCTTGACAAGTCCATTCTTTATGTT-3'
Protein context (NP_055637.2, residues 462-482): CEELKTMLEK[Ile472Val]PKEEQEETSA